The following is an entry in ClinVar:

NM_001458.5(FLNC):c.661G>A (p.Ala221Thr)

Gene: FLNC (filamin C; plus strand). Cytogenetic location: 7q32.1.
Variant type: single nucleotide variant.
Coding change: c.661G>A on transcript NM_001458.5 (MANE Select); coding-DNA position 661, G replaced by A.
Protein change: p.Ala221Thr; replaces alanine 221 with threonine.
Molecular consequence: missense variant.
Genome position (GRCh38, 1-based): chr7:128,837,219, G>A. VCF-style: chr7-128837219-G-A. GRCh37 (hg19) VCF-style: chr7-128477273-G-A.
Other names: c.661G>A, p.Ala221Thr (NM_001127487.2); short protein forms A221T.
Identifiers: ClinVar variation 665176 (VCV000665176.13), dbSNP rs1585152566, ClinGen allele CA369221335.

ClinVar aggregate classification (germline): Uncertain significance. Review status: criteria provided, multiple submitters, no conflicts (2 of 4 stars). 2 submissions from 2 submitters: Uncertain significance (2). Last evaluated 2022-10-05.

Conditions:
Myofibrillar myopathy 5. Also called: FILAMINOPATHY, AUTOSOMAL DOMINANT; Filaminopathy (type). Identifiers: Orphanet 171445, MedGen C1836050, MONDO:0012289, OMIM 609524.
Distal myopathy with posterior leg and anterior hand involvement. Also called: WILLIAMS DISTAL MYOPATHY. Identifiers: Orphanet 63273, MedGen C3279722, MONDO:0013550, OMIM 614065.
Hypertrophic cardiomyopathy 26. Also called: Cardiomyopathy, familial hypertrophic, 26. Identifiers: Orphanet 75249, MedGen C4310749, MONDO:0014883, OMIM 617047.

Submissions (2):

Labcorp Genetics (formerly Invitae), Labcorp
Classification: Uncertain significance for Distal myopathy with posterior leg and anterior hand involvement; Myofibrillar myopathy 5; Hypertrophic cardiomyopathy 26. Last evaluated: 2022-10-05. Review status: criteria provided, single submitter. Criteria: Invitae Variant Classification Sherloc (09022015). Collection method: clinical testing. Allele origin: germline.
Comment: This sequence change replaces alanine, which is neutral and non-polar, with threonine, which is neutral and polar, at codon 221 of the FLNC protein (p.Ala221Thr). This variant is not present in population databases (gnomAD no frequency). This variant has not been reported in the literature in individuals affected with FLNC-related conditions. ClinVar contains an entry for this variant (Variation ID: 665176). Advanced modeling of protein sequence and biophysical properties (such as structural, functional, and spatial information, amino acid conservation, physicochemical variation, residue mobility, and thermodynamic stability) has been performed at Invitae for this missense variant, however the output from this modeling did not meet the statistical confidence thresholds required to predict the impact of this variant on FLNC protein function. In summary, the available evidence is currently insufficient to determine the role of this variant in disease. Therefore, it has been classified as a Variant of Uncertain Significance.

Revvity Omics, Revvity
Classification: Uncertain significance. Last evaluated: 2020-09-24. Review status: criteria provided, single submitter. Criteria: ACMG Guidelines, 2015. Collection method: clinical testing. Allele origin: germline.